The following is an entry in ClinVar:

NM_005085.4(NUP214):c.1495C>T (p.Pro499Ser)

Gene: NUP214 (nucleoporin 214; plus strand). Cytogenetic location: 9q34.13.
Variant type: single nucleotide variant.
Coding change: c.1495C>T on transcript NM_005085.4 (MANE Select); coding-DNA position 1495, C replaced by T.
Protein change: p.Pro499Ser; replaces proline 499 with serine.
Molecular consequence: missense variant.
Genome position (GRCh38, 1-based): chr9:131,144,480, C>T. VCF-style: chr9-131144480-C-T. GRCh37 (hg19) VCF-style: chr9-134019867-C-T.
Other names: c.1495C>T, p.Pro499Ser (NM_001318324.2); c.1495C>T (NM_005085.3); short protein forms P499S.
Identifiers: ClinVar variation 3881821 (VCV003881821.2).
Genomic context (GRCh38, chr9:131,144,480, plus strand): 5'-CCCACTGTGTTCTCCTTTGGTTCTTCATCTTTGAAGTCATCTGCTACGGTCACTGGGGAG[C>T]CCCCTTCATATTCCAGTGGCTCCGACAGCTCCAAAGCAGCCCCAGGCCCTGGCCCATCAA-3'
Protein context (NP_005076.3, residues 489-509): LKSSATVTGE[Pro499Ser]PSYSSGSDSS

ClinVar aggregate classification (germline): Uncertain significance. Review status: criteria provided, multiple submitters, no conflicts (2 of 4 stars). 2 submissions from 2 submitters: Uncertain significance (2). Last evaluated 2025-03-18.

gnomAD v4.1: 23 of 1,614,004 alleles (0.0014%); highest among the groups gnomAD compares: Admixed American, 0.027%; no homozygotes.

Submissions (2):

GeneDx
Classification: Uncertain significance. Last evaluated: 2025-03-18. Review status: criteria provided, single submitter. Criteria: GeneDx Variant Classification Process June 2021. Collection method: clinical testing. Allele origin: germline. Affected: yes.
Comment: In silico analysis supports that this missense variant has a deleterious effect on protein structure/function; Has not been previously published as pathogenic or benign to our knowledge

Ambry Genetics
Classification: Uncertain significance. Last evaluated: 2025-01-17. Review status: criteria provided, single submitter. Criteria: Ambry Variant Classification Scheme 2023. Collection method: clinical testing. Allele origin: germline.